The following is an entry in ClinVar:

ClinVar aggregate classification (germline): Pathogenic (1 of 4 stars; one submission).

Submission:

Labcorp Genetics (formerly Invitae), Labcorp
Classification: Pathogenic. Last evaluated: 2024-12-26. Review status: criteria provided, single submitter. Criteria: Invitae Variant Classification Sherloc (09022015). Collection method: clinical testing. Allele origin: germline.
Comment: This sequence change creates a premature translational stop signal (p.Ser123*) in the MBD4 gene. It is expected to result in an absent or disrupted protein product. Loss-of-function variants in MBD4 are known to be pathogenic (PMID: 30049810, 35460607). This variant is not present in population databases (gnomAD no frequency). This variant has not been reported in the literature in individuals affected with MBD4-related conditions. For these reasons, this variant has been classified as Pathogenic.

Literature cited by the submitters: PubMed 30049810; PubMed 35460607.

NM_001276270.2(MBD4):c.368C>G (p.Ser123Ter)

Gene: MBD4 (methyl-CpG binding domain 4, DNA glycosylase; minus strand). Cytogenetic location: 3q21.3.
Variant type: single nucleotide variant.
Coding change: c.368C>G on transcript NM_001276270.2 (MANE Select); coding-DNA position 368, C replaced by G.
Protein change: p.Ser123Ter; replaces serine 123 with a stop codon.
Molecular consequence: nonsense. On other transcripts: intron variant (1).
Genome position (GRCh38, 1-based): chr3:129,437,276, G>C on the plus strand (C>G on the coding strand, the complement: MBD4 is on the minus strand). VCF-style: chr3-129437276-G-C. GRCh37 (hg19) VCF-style: chr3-129156119-G-C.
Other names: c.368C>G, p.Ser123Ter (NM_001276271.2, NM_001276272.2, NM_003925.3); c.247+532C>G (NM_001276273.2); short protein forms S123*.
Identifiers: ClinVar variation 3728084 (VCV003728084.2).